The following is an entry in ClinVar:

ClinVar aggregate classification (germline): Conflicting classifications of pathogenicity. Review status: criteria provided, conflicting classifications (1 of 4 stars). 3 submissions from 3 submitters: Uncertain significance (1); Likely benign (1). 1 of the submissions does not count toward it. Last evaluated 2025-04-02.

Conditions:
LONP1-related disorder. Also called: LONP1-related condition; LONP1-related disorders.
Inborn genetic diseases. Identifiers: MedGen C0950123, MeSH D030342.

Allele frequency attached by ClinVar (database versions not stated): gnomAD 0.00004 and 0.00005; TOPMed 0.00005; ExAC 0.00023.

Submissions (3):

Labcorp Genetics (formerly Invitae), Labcorp
Classification: Likely benign. Last evaluated: 2025-04-02. Review status: criteria provided, single submitter. Criteria: Invitae Variant Classification Sherloc (09022015). Collection method: clinical testing. Allele origin: germline.

Ambry Genetics
Classification: Uncertain significance for Inborn genetic diseases. Last evaluated: 2023-05-31. Review status: criteria provided, single submitter. Criteria: Ambry Variant Classification Scheme 2023. Collection method: clinical testing. Allele origin: germline.

PreventionGenetics, part of Exact Sciences
Classification: Uncertain significance for LONP1-related condition. Last evaluated: 2024-01-04. Review status: no assertion criteria provided. Collection method: clinical testing. Allele origin: germline. Not counted in ClinVar's aggregate classification.
Comment: The LONP1 c.58C>T variant is predicted to result in the amino acid substitution p.Arg20Trp. To our knowledge, this variant has not been reported in the literature. This variant is reported in 0.0093% of alleles in individuals of European (Non-Finnish) descent in gnomAD. At this time, the clinical significance of this variant is uncertain due to the absence of conclusive functional and genetic evidence.

NM_004793.4(LONP1):c.58C>T (p.Arg20Trp)

Gene: LONP1 (lon peptidase 1, mitochondrial; minus strand). Cytogenetic location: 19p13.3.
Variant type: single nucleotide variant.
Coding change: c.58C>T on transcript NM_004793.4 (MANE Select); coding-DNA position 58, C replaced by T.
Protein change: p.Arg20Trp; replaces arginine 20 with tryptophan.
Molecular consequence: missense variant. On other transcripts: non-coding transcript variant (1), intron variant (1).
Genome position (GRCh38, 1-based): chr19:5,720,075, G>A on the plus strand (C>T on the coding strand, the complement: LONP1 is on the minus strand). VCF-style: chr19-5720075-G-A. GRCh37 (hg19) VCF-style: chr19-5720086-G-A.
Other names: c.58C>T, p.Arg20Trp (NM_001276479.2); c.-160+144C>T (NM_001276480.1); c.58C>T (NM_004793.2, NM_004793.3); short protein forms R20W.
Identifiers: ClinVar variation 1431879 (VCV001431879.10), dbSNP rs757899954, ClinGen allele CA9115252.
Genomic context (GRCh38, chr19:5,720,075, plus strand): 5'-GCAACCACGCTCCTGCTGCAGTGGGAACCCGCCCCCCGGCGGCGGCCAGCATCGGCCGCC[G>A]CAGCACCCAGCACCGCGCCGCTCCCCACAGTCGCACGTAGCCAGTGCTCGCCGCCATAGC-3'
Protein context (NP_004784.2, residues 10-30): LWGAARCWVL[Arg20Trp]RPMLAAAGGR